The following is an entry in ClinVar:

NM_001127222.2(CACNA1A):c.3820A>G (p.Asn1274Asp)

Gene: CACNA1A (calcium voltage-gated channel subunit alpha1 A; minus strand). Cytogenetic location: 19p13.13.
Variant type: single nucleotide variant.
Coding change: c.3820A>G on transcript NM_001127222.2 (MANE Select); coding-DNA position 3820, A replaced by G.
Protein change: p.Asn1274Asp; replaces asparagine 1274 with aspartic acid.
Molecular consequence: missense variant.
Genome position (GRCh38, 1-based): chr19:13,283,269, T>C on the plus strand (A>G on the coding strand, the complement: CACNA1A is on the minus strand). VCF-style: chr19-13283269-T-C. GRCh37 (hg19) VCF-style: chr19-13394083-T-C.
Other names: c.3832A>G, p.Asn1278Asp (NM_000068.4, NM_023035.3); c.3823A>G, p.Asn1275Asp (NM_001127221.2, NM_001174080.2); short protein forms N1274D, N1275D, N1278D.
Identifiers: ClinVar variation 1697021 (VCV001697021.6), dbSNP rs2144871278, ClinGen allele CA404340527.
Genomic context (GRCh38, chr19:13,283,269, plus strand): 5'-GAAAGTGGCCTGAGGCAGAGCAGCCAGGCTAGGAAGGGGTGTGCTCTGTGGGACTCACGT[T>C]GTTCCGAGGTGCGTTGGGCTGCACAGGGTCCTCGGCGGCCAGGGCGATGCTGCTCATGGC-3'
Protein context (NP_001120694.1, residues 1264-1284): DPVQPNAPRN[Asn1274Asp]VLRYFDYVFT

ClinVar aggregate classification (germline): Uncertain significance. Review status: criteria provided, multiple submitters, no conflicts (2 of 4 stars). 3 submissions from 3 submitters: Uncertain significance (3). Last evaluated 2026-05-20.

Conditions:
Developmental and epileptic encephalopathy, 42 (DEE42A). Also called: DEVELOPMENTAL AND EPILEPTIC ENCEPHALOPATHY 42A; EPILEPTIC ENCEPHALOPATHY, EARLY INFANTILE, 42A; Epileptic encephalopathy, early infantile, 42. Identifiers: MedGen C4310716, MONDO:0014917, OMIM 617106.
Episodic ataxia type 2 (EA2). Also called: ACETAZOLAMIDE-RESPONSIVE HEREDITARY PAROXYSMAL CEREBELLAR ATAXIA; CEREBELLAR ATAXIA, PAROXYSMAL, ACETAZOLAMIDE-RESPONSIVE; CEREBELLOPATHY, HEREDITARY PAROXYSMAL; EPISODIC ATAXIA, NYSTAGMUS-ASSOCIATED; ATAXIA, EPISODIC, WITH NYSTAGMUS; ATAXIA, FAMILIAL PAROXYSMAL. Identifiers: Orphanet 97, MedGen C1720416, MONDO:0007163, OMIM 108500.
Inborn genetic diseases. Identifiers: MedGen C0950123, MeSH D030342.

Allele frequency attached by ClinVar (database versions not stated): gnomAD exomes below 0.00001.
gnomAD v4.1: 2 of 1,613,716 alleles (0.00012%); highest among the groups gnomAD compares: Non-Finnish European, 0.00017%; no homozygotes.

Submissions (3):

Ambry Genetics
Classification: Uncertain significance for Inborn genetic diseases. Last evaluated: 2026-05-20. Review status: criteria provided, single submitter. Criteria: Ambry Variant Classification Scheme 2023. Collection method: clinical testing. Allele origin: germline.

Labcorp Genetics (formerly Invitae), Labcorp
Classification: Uncertain significance for Developmental and epileptic encephalopathy, 42; Episodic ataxia type 2. Last evaluated: 2023-09-28. Review status: criteria provided, single submitter. Criteria: Invitae Variant Classification Sherloc (09022015). Collection method: clinical testing. Allele origin: germline.
Comment: In summary, the available evidence is currently insufficient to determine the role of this variant in disease. Therefore, it has been classified as a Variant of Uncertain Significance. An algorithm developed to predict the effect of missense changes on protein structure and function (PolyPhen-2) suggests that this variant is likely to be tolerated. ClinVar contains an entry for this variant (Variation ID: 1697021). This variant has not been reported in the literature in individuals affected with CACNA1A-related conditions. This variant is not present in population databases (gnomAD no frequency). This sequence change replaces asparagine, which is neutral and polar, with aspartic acid, which is acidic and polar, at codon 1275 of the CACNA1A protein (p.Asn1275Asp).

GeneDx
Classification: Uncertain significance. Last evaluated: 2022-01-13. Review status: criteria provided, single submitter. Criteria: GeneDx Variant Classification Process June 2021. Collection method: clinical testing. Allele origin: germline. Affected: yes.
Comment: Not observed at significant frequency in large population cohorts (gnomAD); In silico analysis supports that this missense variant has a deleterious effect on protein structure/function; Has not been previously published as pathogenic or benign to our knowledge